The following continues an entry in ClinVar:

NM_015506.3(MMACHC):c.482G>A (p.Arg161Gln)

Gene: MMACHC. ClinVar aggregate classification (germline): Pathogenic. Pathogenic (20).

Submissions 16 to 24 of 24:

ARUP Laboratories, Molecular Genetics and Genomics, ARUP Laboratories
Classification: Pathogenic. Last evaluated: 2017-07-25. Review status: criteria provided, single submitter. Criteria: ARUP Molecular Germline Variant Investigation Process. Collection method: clinical testing. Allele origin: germline.
Comment: The MMACHC c.482G>A, p.Arg161Gln variant (rs121918243) has been previously reported in individuals with late onset methylmalonic aciduria and homocystinuria, cblC type (Bodamer 2001, Collison 2015, Lerner-Ellis 2009, Liu 2010, Morel 2006, Rhamander 2014, Tsai 2007, Wang 2012). Functional characterization of the variant protein indicates lower thermostability compared to wild type and impaired binding and stabilization of vitamin B12 (Froese 2010, Gherasim 2015). The variant is listed as pathogenic in ClinVar (Variation ID: 1425), and observed in the general population databases at a frequency of 0.008 percent in the Exome Variant Server (1/12374 alleles), and 0.015 percent in the Genome Aggregation Database (41/277058 alleles). The arginine at residue 161 is highly conserved, and computational algorithms (Mutation Taster, PolyPhen-2, SIFT) predict that the variant has an impact on the protein. Based on the above information, the variant is classified as pathogenic.

Women's Health and Genetics/Laboratory Corporation of America, LabCorp
Classification: Pathogenic for Cobalamin C disease. Last evaluated: 2017-05-11. Review status: criteria provided, single submitter. Criteria: LabCorp Variant Classification Summary - May 2015. Collection method: clinical testing. Allele origin: germline.
Comment: Variant summary: The MMACHC c.482G>A (p.Arg161Gln) variant causes a missense change involving the alteration of a highly conserved nucleotide. The variant alters a cobalamin binding site on conserved domain MMACHC-like (PM1). 3/4 in silico tools predict deleterious outcome for this variant (SNP&GO was not used due to a low reliability index). In the functional studies mutant R161Q has a decreased ability to bind incoming CNCbl, which results in a decreased ability to reductively decyanate the CNCbl to the cob(II)alamin form used in the metabolic pathway (PS3). The variant of interest has been identified in a large, broad control datasets of ExAC at a frequency of 0.000195 (18/120402 chrs tested), predominantly in individuals of Latino descent (0.0013; 15/16508chrs tesed). The observed frequencies are extremely low and do not exceed the estimated maximal expected allele frequency of a pathogenic MMACHC variant (~0.0031) (PM2). The variant of interest was reported in compound heterozygosity in multiple affected individuals presenting with biochemically confirmed dx of late-onset methylmalonic aciduria and homocystinuria and proven segregation within the family (PM3, PP1, PP4). The codon Arg161 appears to be a mutational hot spot, as other alteration of the same codon, c.481C>G (p.Arg161Gly) (PM5) and c.481C>T (p.Arg161*) were identified in patients with methylmalonic aciduria and homocystinuria. In addition, a clinical diagnostic laboratory/reputable database classified this variant as Pathogenic (PP5). Considering all evidence and ACMG guidelines, the variant was classified as Pathogenic.

Ambry Genetics
Classification: Pathogenic for Inborn genetic diseases. Last evaluated: 2016-12-14. Review status: criteria provided, single submitter. Criteria: Ambry exome assertion method (8-5-2015). Collection method: clinical testing. Allele origin: germline. Affected: yes. Observed: 1 variant allele.

Eurofins Ntd Llc (ga)
Classification: Pathogenic. Last evaluated: 2012-07-13. Review status: criteria provided, single submitter. Criteria: EGL Classification Definitions. Collection method: clinical testing. Allele origin: germline. Observed: 1 variant allele, 1 heterozygote.

Juno Genomics, Hangzhou Juno Genomics, Inc
Classification: Pathogenic for Cobalamin C disease. Review status: criteria provided, single submitter. Criteria: ACMG Guidelines, 2015. Collection method: clinical testing. Allele origin: germline. Affected: yes.
Comment: Absent from controls (or at extremely low frequency if recessive) in Genome Aggregation Database, Exome Sequencing Project, 1000 Genomes Project, or Exome Aggregation Consortium.;For recessive disorders, detected in trans with a pathogenic variant.;Patient's phenotype or family history is highly specific for a disease with a single genetic etiology.;Well-established in vitro or in vivo functional studies supportive of a damaging effect on the gene or gene product.;Novel missense change at an amino acid residue where a different missense change determined to be pathogenic has been seen before.

Neurology Department, Peking University First Hospital
Classification: Pathogenic for Methylmalonic acidemia with homocystinuria. Last evaluated: 2020-04-23. Review status: no assertion criteria provided. Collection method: research. Allele origin: germline. Affected: yes. Not counted in ClinVar's aggregate classification.

SingHealth Duke-NUS Institute of Precision Medicine
Classification: Pathogenic for Methylmalonic aciduria due to methylmalonyl-CoA mutase deficiency. Last evaluated: 2017-06-07. Review status: no assertion criteria provided. Collection method: curation. Allele origin: germline. Affected: no. Not counted in ClinVar's aggregate classification.

OMIM
Classification: Pathogenic for METHYLMALONIC ACIDURIA AND HOMOCYSTINURIA, cblC TYPE. Last evaluated: 2015-01-01. Review status: no assertion criteria provided. Collection method: literature only. Allele origin: germline. Not counted in ClinVar's aggregate classification.

GeneReviews
No classification provided. Condition: Disorders of Intracellular Cobalamin Metabolism. Review status: no classification provided. Collection method: literature only. Allele origin: germline. Not counted in ClinVar's aggregate classification.
Comment: Associated with milder disease, and may be more common in individuals of Hispanic descent.

Literature cited by the submitters: PubMed 16311595 (cited by 7 submitters); PubMed 17853453 (cited by 4 submitters); PubMed 19370762 (cited by Labcorp Genetics (formerly Invitae), Labcorp and OMIM); PubMed 21055272 (cited by Labcorp Genetics (formerly Invitae), Labcorp); PubMed 22560872 (cited by 4 submitters); PubMed 25687216 (cited by 4 submitters); PubMed 26283149 (cited by 3 submitters); PubMed 28218226 (cited by Labcorp Genetics (formerly Invitae), Labcorp and Mayo Clinic Laboratories, Mayo Clinic); PubMed 19700356 (cited by 4 submitters); PubMed 20219402 (cited by 3 submitters); PubMed 25809485 (cited by Labcorp Genetics (formerly Invitae), Labcorp and Mayo Clinic Laboratories, Mayo Clinic); PubMed 20631720 (cited by 4 submitters); PubMed 16714133 (cited by Mayo Clinic Laboratories, Mayo Clinic and OMIM); PubMed 18164228 (cited by Mayo Clinic Laboratories, Mayo Clinic and Women's Health and Genetics/Laboratory Corporation of America, LabCorp); PubMed 28693988 (cited by Mayo Clinic Laboratories, Mayo Clinic and GeneReviews); PubMed 23825108 (cited by Women's Health and Genetics/Laboratory Corporation of America, LabCorp); PubMed 11320193 (cited by OMIM).